The following is an entry in ClinVar:

ClinVar aggregate classification (germline): Uncertain significance (1 of 4 stars; one submission).

Submission:

Women's Health and Genetics/Laboratory Corporation of America, LabCorp
Classification: Uncertain significance. Last evaluated: 2025-11-07. Review status: criteria provided, single submitter. Criteria: LabCorp Variant Classification Summary - May 2015. Collection method: clinical testing. Allele origin: germline.
Comment: Variant summary: KDM5C c.1083C>G (p.Ile361Met) results in a conservative amino acid change in the encoded protein sequence. Algorithms developed to predict the effect of missense changes on protein structure and function all suggest that this variant is likely to be tolerated. The variant was absent in 178724 control chromosomes. The available data on variant occurrences in the general population are insufficient to allow any conclusion about variant significance. To our knowledge, no occurrence of c.1083C>G in individuals affected with KDM5C-related conditions and no experimental evidence demonstrating its impact on protein function have been reported. No submitters have cited clinical-significance assessments for this variant to ClinVar. Based on the evidence outlined above, the variant was classified as uncertain significance.

NM_004187.5(KDM5C):c.1083C>G (p.Ile361Met)

Gene: KDM5C (lysine demethylase 5C; minus strand). Cytogenetic location: Xp11.22.
Variant type: single nucleotide variant.
Coding change: c.1083C>G on transcript NM_004187.5 (MANE Select); coding-DNA position 1083, C replaced by G.
Protein change: p.Ile361Met; replaces isoleucine 361 with methionine.
Molecular consequence: missense variant. On other transcripts: non-coding transcript variant (3).
Genome position (GRCh38, 1-based): chrX:53,214,728, G>C on the plus strand (C>G on the coding strand, the complement: KDM5C is on the minus strand). VCF-style: chrX-53214728-G-C. GRCh37 (hg19) VCF-style: chrX-53243910-G-C.
Other names: c.882C>G, p.Ile294Met (NM_001146702.2); c.1080C>G, p.Ile360Met (NM_001282622.3, NM_001353979.2, NM_001353982.2); c.1083C>G, p.Ile361Met (NM_001353978.3, NM_001353981.2, NM_001353984.2); short protein forms I294M, I360M, I361M.
Identifiers: ClinVar variation 4536948 (VCV004536948.1).